The following is an entry in ClinVar:

NM_178452.6(DNAAF1):c.261-3C>G

Gene: DNAAF1 (dynein axonemal assembly factor 1; plus strand). Cytogenetic location: 16q24.1.
Variant type: single nucleotide variant.
Coding change: c.261-3C>G on transcript NM_178452.6 (MANE Select); 3 bases into the intron before coding-DNA position 261, C replaced by G.
Molecular consequence: intron variant.
Genome position (GRCh38, 1-based): chr16:84,150,248, C>G. VCF-style: chr16-84150248-C-G. GRCh37 (hg19) VCF-style: chr16-84183853-C-G.
Identifiers: ClinVar variation 1049288 (VCV001049288.1), dbSNP rs780546636, ClinGen allele CA2499223713.

ClinVar aggregate classification (germline): Uncertain significance (0 of 4 stars; one submission).

gnomAD v4.1: 1 of 1,609,052 alleles (0.000062%); highest among the groups gnomAD compares: Non-Finnish European, 0.000085%; no homozygotes.

Submission:

Department of Pathology and Laboratory Medicine, Sinai Health System
Classification: Uncertain significance. Review status: no assertion criteria provided. Collection method: clinical testing. Allele origin: unknown. Affected: yes. Study: The Canadian Open Genetics Repository (COGR).
Comment: The DNAAF1 c.261-3C>G variant was not identified in the literature nor was it identified in dbSNP, ClinVar, Cosmic or LOVD 3.0. The variant was not identified in the following control databases: the 1000 Genomes Project, the NHLBI GO Exome Sequencing Project, the Exome Aggregation Consortium (August 8th 2016), or the Genome Aggregation Database (Feb 27, 2017). The c.261-3C>G variant is located in the 3' splice region but does not affect the invariant -1 and -2 positions. However, positions -3 and -5 to -12 are part of the splicing consensus sequence and variants involving these positions sometimes affect splicing. Further, 4 of 4 in silico or computational prediction software programs (SpliceSiteFinder, MaxEntScan, NNSPLICE, GeneSplicer) predict the gain of a 3' splice site at the variant position (c.261-3). MutationTaster also predicts the variant to be disease-causing. However, this is not predictive enough to assume pathogenicity. In summary, based on the above information the clinical significance of this variant cannot be determined with certainty at this time. This variant is classified as a variant of uncertain significance.